The following is an entry in ClinVar:

NM_000051.4(ATM):c.8078C>A (p.Ala2693Glu)

Genes: ATM (ATM serine/threonine kinase; plus strand), C11orf65 (chromosome 11 open reading frame 65; minus strand). Cytogenetic location: 11q22.3.
Variant type: single nucleotide variant.
Coding change: c.8078C>A on transcript NM_000051.4 (MANE Select); coding-DNA position 8078, C replaced by A.
Protein change: p.Ala2693Glu; replaces alanine 2693 with glutamic acid.
Molecular consequence: missense variant. On other transcripts: intron variant (2).
Genome position (GRCh38, 1-based): chr11:108,335,036, C>A. VCF-style: chr11-108335036-C-A. GRCh37 (hg19) VCF-style: chr11-108205763-C-A.
Other names: c.8078C>A, p.Ala2693Glu (NM_001351834.2); c.641-25965G>T (NM_001330368.2); c.*38+184G>T (NM_001351110.2); short protein forms A2693E.
Identifiers: ClinVar variation 1464369 (VCV001464369.8), dbSNP rs2136659025, ClinGen allele CA382562023.
Genomic context (GRCh38, chr11:108,335,036, plus strand): 5'-ACACAGGAGAATATGGAAATCTGGTGACTATACAGTCATTTAAAGCAGAATTTCGCTTAG[C>A]AGGAGGTGTAAATTTACCAAAAATAATAGATTGTGTAGGTTCCGATGGCAAGGAGAGGAG-3'
Protein context (NP_000042.3, residues 2683-2703): IQSFKAEFRL[Ala2693Glu]GGVNLPKIID

ClinVar aggregate classification (germline): Uncertain significance (1 of 4 stars; one submission).

Conditions:
Ataxia-telangiectasia syndrome (AT). Also called: LOUIS-BAR SYNDROME; Cerebello-oculocutaneous telangiectasia; Immunodeficiency with ataxia telangiectasia; Ataxia telangiectasia (A-T); Ataxia-telangiectasia, complementation group D; AT, COMPLEMENTATION GROUP C. Identifiers: Orphanet 100, MedGen C0004135, MONDO:0008840, OMIM 208900.

Submission:

Labcorp Genetics (formerly Invitae), Labcorp
Classification: Uncertain significance for Ataxia-telangiectasia syndrome. Last evaluated: 2021-03-13. Review status: criteria provided, single submitter. Criteria: Invitae Variant Classification Sherloc (09022015). Collection method: clinical testing. Allele origin: germline.
Comment: In summary, the available evidence is currently insufficient to determine the role of this variant in disease. Therefore, it has been classified as a Variant of Uncertain Significance. Advanced modeling of protein sequence and biophysical properties (such as structural, functional, and spatial information, amino acid conservation, physicochemical variation, residue mobility, and thermodynamic stability) performed at Invitae indicates that this missense variant is expected to disrupt ATM protein function. This variant has not been reported in the literature in individuals with ATM-related conditions. This variant is not present in population databases (ExAC no frequency). This sequence change replaces alanine with glutamic acid at codon 2693 of the ATM protein (p.Ala2693Glu). The alanine residue is highly conserved and there is a moderate physicochemical difference between alanine and glutamic acid.